The following is an entry in ClinVar:

NM_015570.4(AUTS2):c.1448C>G (p.Pro483Arg)

Gene: AUTS2 (activator of transcription and developmental regulator AUTS2; plus strand). Cytogenetic location: 7q11.22.
Variant type: single nucleotide variant.
Coding change: c.1448C>G on transcript NM_015570.4 (MANE Select); coding-DNA position 1448, C replaced by G.
Protein change: p.Pro483Arg; replaces proline 483 with arginine.
Molecular consequence: missense variant.
Genome position (GRCh38, 1-based): chr7:70,764,985, C>G. VCF-style: chr7-70764985-C-G. GRCh37 (hg19) VCF-style: chr7-70229971-C-G.
Other names: c.1448C>G, p.Pro483Arg (NM_001127231.3); short protein forms P483R.
Identifiers: ClinVar variation 3678423 (VCV003678423.2).

ClinVar aggregate classification (germline): Uncertain significance (1 of 4 stars; one submission).

gnomAD v4.1: 10 of 1,613,776 alleles (0.00062%); highest among the groups gnomAD compares: Admixed American, 0.005%; no homozygotes.

Submission:

Labcorp Genetics (formerly Invitae), Labcorp
Classification: Uncertain significance. Last evaluated: 2024-05-24. Review status: criteria provided, single submitter. Criteria: Invitae Variant Classification Sherloc (09022015). Collection method: clinical testing. Allele origin: germline.
Comment: This sequence change replaces proline, which is neutral and non-polar, with arginine, which is basic and polar, at codon 483 of the AUTS2 protein (p.Pro483Arg). This variant is present in population databases (no rsID available, gnomAD 0.009%). This variant has not been reported in the literature in individuals affected with AUTS2-related conditions. Advanced modeling of protein sequence and biophysical properties (such as structural, functional, and spatial information, amino acid conservation, physicochemical variation, residue mobility, and thermodynamic stability) has been performed at Invitae for this missense variant, however the output from this modeling did not meet the statistical confidence thresholds required to predict the impact of this variant on AUTS2 protein function. In summary, the available evidence is currently insufficient to determine the role of this variant in disease. Therefore, it has been classified as a Variant of Uncertain Significance.